The following is an entry in ClinVar:

NM_001165963.4(SCN1A):c.1834C>T (p.Arg612Ter)

Gene: SCN1A (sodium voltage-gated channel alpha subunit 1; minus strand). Cytogenetic location: 2q24.3.
Variant type: single nucleotide variant.
Coding change: c.1834C>T on transcript NM_001165963.4 (MANE Select); coding-DNA position 1834, C replaced by T.
Protein change: p.Arg612Ter; replaces arginine 612 with a stop codon.
Molecular consequence: nonsense. On other transcripts: 5 prime UTR variant (1), non-coding transcript variant (1).
Genome position (GRCh38, 1-based): chr2:166,043,878, G>A on the plus strand (C>T on the coding strand, the complement: SCN1A is on the minus strand). VCF-style: chr2-166043878-G-A. GRCh37 (hg19) VCF-style: chr2-166900388-G-A.
Other names: c.1834C>T, p.Arg612Ter (NM_001165964.3, NM_001202435.3, NM_001353948.2 and 7 more transcripts); c.1831C>T, p.Arg611Ter (NM_001353954.2, NM_001353955.2, NM_001353960.2); c.-592C>T (NM_001353961.2); short protein forms R612*, R611*.
Identifiers: ClinVar variation 189941 (VCV000189941.12), dbSNP rs794726778, ClinGen allele CA303360.

ClinVar aggregate classification (germline): Pathogenic. Review status: criteria provided, multiple submitters, no conflicts (2 of 4 stars). 4 submissions from 4 submitters: Pathogenic (4). Last evaluated 2025-07-22.

Conditions:
Early-infantile DEE. Also called: Early infantile epileptic encephalopathy; Ohtahara syndrome; Early infantile epileptic encephalopathy with suppression bursts. Identifiers: Orphanet 1934, MedGen C0393706, MONDO:0800491.
Severe myoclonic epilepsy in infancy (DRVT). Also called: Epileptic encephalopathy, early infantile, 6 (Dravet syndrome); SEVERE MYOCLONIC EPILEPSY OF INFANCY; DEVELOPMENTAL AND EPILEPTIC ENCEPHALOPATHY 6A; Severe Myoclonic Epilepsy in Infancy (SMEI); Dravet syndrome. Identifiers: Orphanet 33069, MedGen C0751122, MONDO:0100135, OMIM 607208.

Allele frequency attached by ClinVar (database versions not stated): gnomAD exomes below 0.00001.
gnomAD v4.1: 1 of 1,614,086 alleles (0.000062%); highest among the groups gnomAD compares: African/African-American, 0.0013%; no homozygotes.

Submissions (4):

Labcorp Genetics (formerly Invitae), Labcorp
Classification: Pathogenic for Early-infantile DEE. Last evaluated: 2025-07-22. Review status: criteria provided, single submitter. Criteria: Invitae Variant Classification Sherloc (09022015). Collection method: clinical testing. Allele origin: germline.
Comment: This sequence change creates a premature translational stop signal (p.Arg612*) in the SCN1A gene. It is expected to result in an absent or disrupted protein product. Loss-of-function variants in SCN1A are known to be pathogenic (PMID: 17347258, 18930999). This variant is not present in population databases (gnomAD no frequency). This premature translational stop signal has been observed in individual(s) with severe myoclonic epilepsy of infancy (PMID: 18554359). In at least one individual the variant was observed to be de novo. ClinVar contains an entry for this variant (Variation ID: 189941). For these reasons, this variant has been classified as Pathogenic.

Centre for Inherited Metabolic Diseases, Karolinska University Hospital
Classification: Pathogenic for Severe myoclonic epilepsy in infancy. Last evaluated: 2021-04-25. Review status: criteria provided, single submitter. Criteria: ACMG Guidelines, 2015. Collection method: clinical testing. Allele origin: de novo. Inheritance: Autosomal dominant inheritance. Affected: yes. Observed: 1 heterozygote.

Center for Bioinformatics, Peking University
Classification: Pathogenic for Dravet syndrome. Last evaluated: 2014-12-20. Review status: criteria provided, single submitter. Criteria: Xu et al. (Hum Mutat. 2015). Collection method: research. Allele origin: de novo. Affected: yes. Observed: 1 variant allele. Study: University Clinical Cooperation “985 Project” PKU-2014-1-1.
Comment: Dravet syndrome (DS) probands were recruited from the outpatient and inpatient child neurology units of Peking University First Hospital from 2005 till present. The study was approved by the Ethics Committee of Peking University First Hospital and the Institutional Review Board at Peking University. Participants or their parents provided written informed consent before enrollment. We collected a total of 267 mutations from 255 families with probands diagnosed with DS in China. All probands fulfilled the clinical diagnostic criteria.

Lifecell International Pvt. Ltd
Classification: Pathogenic for Severe myoclonic epilepsy in infancy. Review status: criteria provided, single submitter. Criteria: ACMG Guidelines, 2015. Collection method: clinical testing. Allele origin: germline. Inheritance: Autosomal dominant inheritance. Affected: yes. Observed: 1 heterozygote.
Comment: The stop gained NM_001165963.4(SCN1A):c.1834C>T (p.Arg612Ter) has been reported to ClinVar as Pathogenic with a status of (2 stars) criteria provided, multiple submitters, no conflicts (Variation ID 189941 as of 2021-07-01). The p.Arg612Ter variant is novel (not in any individuals) in gnomAD. The p.Arg612Ter variant is novel (not in any individuals) in 1kG. This variant is predicted to cause loss of normal protein function through protein truncation. This variant is a stop gained variant which occurs in an exon of SCN1A upstream of where nonsense mediated decay is predicted to occur. This variant has been previously classified as pathogenic, indicating that the region is critical to protein function. There are 369 downstream pathogenic loss of function variants, with the furthest variant being 1314 residues downstream of this variant. This indicates that the region is critical to protein function. The gene SCN1A has a low rate of benign loss of function variants as indicated by a low upper bound of the observed/expected confidence interval 0.07. The p.Arg612Ter variant is a loss of function variant in the gene SCN1A, which is intolerant of Loss of Function variants, as indicated by the presence of existing pathogenic loss of function variant NP_001159435.1:p.M1I and 503 others. This variant has been reported to be de novo in individuals affected with severe myoclonic epilepsy of infancy by Sun H et al., 2008. Loss-of-function variants in SCN1A are known to be pathogenic by Harkin L A et al., 2007. For these reasons, this variant has been classified as Pathogenic.

Literature cited by the submitters: PubMed 17347258 (cited by Labcorp Genetics (formerly Invitae), Labcorp); PubMed 18930999 (cited by Labcorp Genetics (formerly Invitae), Labcorp); PubMed 18554359 (cited by Labcorp Genetics (formerly Invitae), Labcorp); PubMed 20431604 (cited by Lifecell International Pvt. Ltd).